The following is an entry in ClinVar:

ClinVar aggregate classification (germline): Uncertain significance. Review status: criteria provided, multiple submitters, no conflicts (2 of 4 stars). 2 submissions from 2 submitters: Uncertain significance (2). Last evaluated 2022-05-15.

Conditions:
MOGS-congenital disorder of glycosylation. Also called: CDG IIb; CDG 2B; GLUCOSIDASE I DEFICIENCY; MOGS-CDG. Identifiers: Orphanet 79330, MedGen C1853736, MONDO:0011629, OMIM 606056.
Inborn genetic diseases. Identifiers: MedGen C0950123, MeSH D030342.

Allele frequency attached by ClinVar (database versions not stated): gnomAD exomes below 0.00001 and 0.00001; gnomAD 0.00001; TOPMed 0.00002.

Submissions (2):

Labcorp Genetics (formerly Invitae), Labcorp
Classification: Uncertain significance for MOGS-congenital disorder of glycosylation. Last evaluated: 2022-05-15. Review status: criteria provided, single submitter. Criteria: Invitae Variant Classification Sherloc (09022015). Collection method: clinical testing. Allele origin: germline.
Comment: Algorithms developed to predict the effect of missense changes on protein structure and function (SIFT, PolyPhen-2, Align-GVGD) all suggest that this variant is likely to be disruptive. In summary, the available evidence is currently insufficient to determine the role of this variant in disease. Therefore, it has been classified as a Variant of Uncertain Significance. ClinVar contains an entry for this variant (Variation ID: 647768). This variant has not been reported in the literature in individuals affected with MOGS-related conditions. This variant is not present in population databases (gnomAD no frequency). This sequence change replaces alanine, which is neutral and non-polar, with threonine, which is neutral and polar, at codon 510 of the MOGS protein (p.Ala510Thr).

Ambry Genetics
Classification: Uncertain significance for Inborn genetic diseases. Last evaluated: 2021-03-19. Review status: criteria provided, single submitter. Criteria: Ambry Variant Classification Scheme 2023. Collection method: clinical testing. Allele origin: germline.
Comment: The c.1528G>A (p.A510T) alteration is located in exon 4 (coding exon 4) of the MOGS gene. This alteration results from a G to A substitution at nucleotide position 1528, causing the alanine (A) at amino acid position 510 to be replaced by a threonine (T). The in silico prediction for the p.A510T alteration is inconclusive. Based on insufficient or conflicting evidence, the clinical significance of this alteration remains unclear.

NM_006302.3(MOGS):c.1528G>A (p.Ala510Thr)

Gene: MOGS (mannosyl-oligosaccharide glucosidase; minus strand). Cytogenetic location: 2p13.1.
Variant type: single nucleotide variant.
Coding change: c.1528G>A on transcript NM_006302.3 (MANE Select); coding-DNA position 1528, G replaced by A.
Protein change: p.Ala510Thr; replaces alanine 510 with threonine.
Molecular consequence: missense variant.
Genome position (GRCh38, 1-based): chr2:74,462,261, C>T on the plus strand (G>A on the coding strand, the complement: MOGS is on the minus strand). VCF-style: chr2-74462261-C-T. GRCh37 (hg19) VCF-style: chr2-74689388-C-T.
Other names: c.1528G>A, p.Ala510Thr (LRG_1226t1); c.1210G>A, p.Ala404Thr (NM_001146158.2); short protein forms A404T, A510T.
Identifiers: ClinVar variation 647768 (VCV000647768.7), dbSNP rs913447572, ClinGen allele CA50475369.